The following is an entry in ClinVar:

ClinVar aggregate classification (germline): Uncertain significance (1 of 4 stars; one submission).

Conditions:
Paroxysmal nonkinesigenic dyskinesia. Also called: Paroxysmal non-kinesigenic dyskinesia. Identifiers: Orphanet 98810, MedGen C1869117, MONDO:0700088.

Allele frequency attached by ClinVar (database versions not stated): ESP Exome Variant Server 0.00015; gnomAD exomes 0.00001 and 0.00002; TOPMed 0.00002; ExAC 0.00003; gnomAD 0.00003.
gnomAD v4.1: 29 of 1,575,590 alleles (0.0018%); highest among the groups gnomAD compares: Non-Finnish European, 0.0022%; no homozygotes.

Submission:

Labcorp Genetics (formerly Invitae), Labcorp
Classification: Uncertain significance for Paroxysmal nonkinesigenic dyskinesia. Last evaluated: 2025-02-24. Review status: criteria provided, single submitter. Criteria: Invitae Variant Classification Sherloc (09022015). Collection method: clinical testing. Allele origin: germline.
Comment: This sequence change replaces tyrosine, which is neutral and polar, with histidine, which is basic and polar, at codon 293 of the PNKD protein (p.Tyr293His). This variant is present in population databases (rs368638126, gnomAD 0.002%). This variant has not been reported in the literature in individuals affected with PNKD-related conditions. ClinVar contains an entry for this variant (Variation ID: 1016592). Invitae Evidence Modeling of protein sequence and biophysical properties (such as structural, functional, and spatial information, amino acid conservation, physicochemical variation, residue mobility, and thermodynamic stability) indicates that this missense variant is expected to disrupt PNKD protein function with a positive predictive value of 80%. In summary, the available evidence is currently insufficient to determine the role of this variant in disease. Therefore, it has been classified as a Variant of Uncertain Significance.

NM_015488.5(PNKD):c.877T>C (p.Tyr293His)

Genes: CATIP-AS2 (CATIP antisense RNA 2; minus strand), PNKD (PNKD metallo-beta-lactamase domain containing; plus strand). Cytogenetic location: 2q35.
Variant type: single nucleotide variant.
Coding change: c.877T>C on transcript NM_015488.5 (MANE Select); coding-DNA position 877, T replaced by C.
Protein change: p.Tyr293His; replaces tyrosine 293 with histidine.
Molecular consequence: missense variant.
Genome position (GRCh38, 1-based): chr2:218,344,463, T>C. VCF-style: chr2-218344463-T-C. GRCh37 (hg19) VCF-style: chr2-219209186-T-C.
Other names: c.805T>C, p.Tyr269His (NM_022572.5); short protein forms Y269H, Y293H.
Identifiers: ClinVar variation 1016592 (VCV001016592.6), dbSNP rs368638126, ClinGen allele CA2104143.